The following is an entry in ClinVar:

ClinVar aggregate classification (germline): Uncertain significance (1 of 4 stars; one submission).

Submission:

Women's Health and Genetics/Laboratory Corporation of America, LabCorp
Classification: Uncertain significance. Last evaluated: 2021-10-08. Review status: criteria provided, single submitter. Criteria: LabCorp Variant Classification Summary - May 2015. Collection method: clinical testing. Allele origin: germline.
Comment: Variant summary: SPINK1 c.121A>G (p.Lys41Glu) results in a conservative amino acid change located in the Kazal domain (IPR002350) of the encoded protein sequence. Three of five in-silico tools predict a benign effect of the variant on protein function. The variant was absent in 250202 control chromosomes. The available data on variant occurrences in the general population are insufficient to allow any conclusion about variant significance. To our knowledge, no occurrence of c.121A>G in individuals affected with Chronic Pancreatitis Risk and no experimental evidence demonstrating its impact on protein function have been reported. No clinical diagnostic laboratories have submitted clinical-significance assessments for this variant to ClinVar after 2014. Based on the evidence outlined above, the variant was classified as uncertain significance.

NM_001379610.1(SPINK1):c.121A>G (p.Lys41Glu)

Gene: SPINK1 (serine peptidase inhibitor Kazal type 1; minus strand). Cytogenetic location: 5q32.
Variant type: single nucleotide variant.
Coding change: c.121A>G on transcript NM_001379610.1 (MANE Select); coding-DNA position 121, A replaced by G.
Protein change: p.Lys41Glu; replaces lysine 41 with glutamic acid.
Molecular consequence: missense variant.
Genome position (GRCh38, 1-based): chr5:147,828,095, T>C on the plus strand (A>G on the coding strand, the complement: SPINK1 is on the minus strand). VCF-style: chr5-147828095-T-C. GRCh37 (hg19) VCF-style: chr5-147207658-T-C.
Other names: c.121A>G, p.Lys41Glu (NM_001354966.2, NM_003122.5); short protein forms K41E.
Identifiers: ClinVar variation 1321344 (VCV001321344.1), dbSNP rs1554089812, ClinGen allele CA361885320.
Genomic context (GRCh38, chr5:147,828,095, plus strand): 5'-ATAACACGCATTCATTGGGATAAGTATTTCCATCAGTCCCACAGACAGGGTCATATATCT[T>C]GGTGCATCCATTAAGTTCATTGTAACATTTGGCCTAAAAATGGAATTAAACAGAATCATT-3'
Protein context (NP_001366539.1, residues 31-51): KCYNELNGCT[Lys41Glu]IYDPVCGTDG